The following is an entry in ClinVar:

NM_000245.4(MET):c.1298A>T (p.Gln433Leu)

Gene: MET (MET proto-oncogene, receptor tyrosine kinase; plus strand). Cytogenetic location: 7q31.2.
Variant type: single nucleotide variant.
Coding change: c.1298A>T on transcript NM_000245.4 (MANE Select); coding-DNA position 1298, A replaced by T.
Protein change: p.Gln433Leu; replaces glutamine 433 with leucine.
Molecular consequence: missense variant.
Genome position (GRCh38, 1-based): chr7:116,731,765, A>T. VCF-style: chr7-116731765-A-T. GRCh37 (hg19) VCF-style: chr7-116371819-A-T.
Other names: c.1298A>T, p.Gln433Leu (NM_001127500.3, NM_001324401.3); c.8A>T, p.Gln3Leu (NM_001324402.2); short protein forms Q433L, Q3L.
Identifiers: ClinVar variation 3395127 (VCV003395127.2).

ClinVar aggregate classification (germline): Uncertain significance. Review status: criteria provided, multiple submitters, no conflicts (2 of 4 stars). 2 submissions from 2 submitters: Uncertain significance (2). Last evaluated 2025-02-16.

Conditions:
Renal cell carcinoma. Identifiers: Orphanet 217071, MedGen C0007134, MeSH D002292, MONDO:0005086, HP:0005584.
Hereditary cancer-predisposing syndrome. Also called: Hereditary Cancer Syndrome; Tumor predisposition; Hereditary neoplastic syndrome; Neoplastic Syndromes, Hereditary. Identifiers: Orphanet 140162, MedGen C0027672, MeSH D009386, MONDO:0015356.

Submissions (2):

Labcorp Genetics (formerly Invitae), Labcorp
Classification: Uncertain significance for Renal cell carcinoma. Last evaluated: 2025-02-16. Review status: criteria provided, single submitter. Criteria: Invitae Variant Classification Sherloc (09022015). Collection method: clinical testing. Allele origin: germline.
Comment: This sequence change replaces glutamine, which is neutral and polar, with leucine, which is neutral and non-polar, at codon 433 of the MET protein (p.Gln433Leu). This variant is present in population databases (no rsID available, gnomAD 0.006%). This variant has not been reported in the literature in individuals affected with MET-related conditions. ClinVar contains an entry for this variant (Variation ID: 3395127). Invitae Evidence Modeling of protein sequence and biophysical properties (such as structural, functional, and spatial information, amino acid conservation, physicochemical variation, residue mobility, and thermodynamic stability) indicates that this missense variant is not expected to disrupt MET protein function with a negative predictive value of 80%. In summary, the available evidence is currently insufficient to determine the role of this variant in disease. Therefore, it has been classified as a Variant of Uncertain Significance.

Ambry Genetics
Classification: Uncertain significance for Hereditary cancer-predisposing syndrome. Last evaluated: 2024-08-07. Review status: criteria provided, single submitter. Criteria: Ambry Variant Classification Scheme 2023. Collection method: clinical testing. Allele origin: germline.
Comment: The p.Q433L variant (also known as c.1298A>T), located in coding exon 2 of the MET gene, results from an A to T substitution at nucleotide position 1298. The glutamine at codon 433 is replaced by leucine, an amino acid with dissimilar properties. This amino acid position is conserved. In addition, this alteration is predicted to be tolerated by in silico analysis. Based on the available evidence, the clinical significance of this variant remains unclear.